The following is an entry in ClinVar:

ClinVar aggregate classification (germline): Uncertain significance (0 of 4 stars; one submission).

Conditions:
Heparin cofactor II deficiency. Also called: HCF II DEFICIENCY; HCF2 DEFICIENCY; THROMBOPHILIA DUE TO HEPARIN COFACTOR II DEFICIENCY; Heparin cofactor 2 deficiency. Identifiers: MedGen C0398626, MONDO:0012876, OMIM 612356.

Submission:

ISTH-SSC Genomics in Thrombosis and Hemostasis, KU Leuven, Center for Molecular and Vascular Biology
Classification: Uncertain significance for Heparin cofactor II deficiency. Review status: no assertion criteria provided. Collection method: clinical testing. Allele origin: unknown. Affected: yes.
Comment: Submitted to GoldVariant by Prof Kathleen Freson from Center for Molecular and Vascular Biology, Leuven, Belgium

NM_000185.4(SERPIND1):c.488G>C (p.Gly163Ala)

Genes: PI4KA (phosphatidylinositol 4-kinase alpha; minus strand), SERPIND1 (serpin family D member 1; plus strand). Cytogenetic location: 22q11.21.
Variant type: single nucleotide variant.
Coding change: c.488G>C on transcript NM_000185.4 (MANE Select); coding-DNA position 488, G replaced by C.
Protein change: p.Gly163Ala; replaces glycine 163 with alanine.
Molecular consequence: missense variant. On other transcripts: intron variant (3).
Genome position (GRCh38, 1-based): chr22:20,779,800, G>C. VCF-style: chr22-20779800-G-C. GRCh37 (hg19) VCF-style: chr22-21134088-G-C.
Other names: c.2262+13393C>G (NM_001362863.2); c.2328+13393C>G (NM_001362862.2, NM_058004.4); short protein forms G163A.
Identifiers: ClinVar variation 1684359 (VCV001684359.1), dbSNP rs1188993674, ClinGen allele CA410770549.
Genomic context (GRCh38, chr22:20,779,800, plus strand): 5'-ACCAGGTCAACACTTTCGATAACATCTTCATAGCACCCGTTGGCATTTCTACTGCGATGG[G>C]TATGATTTCCTTAGGTCTGAAGGGAGAGACCCATGAACAAGTGCACTCGATTTTGCATTT-3'
Protein context (NP_000176.2, residues 153-173): IAPVGISTAM[Gly163Ala]MISLGLKGET